The following is an entry in ClinVar:

ClinVar aggregate classification (germline): Uncertain significance (1 of 4 stars; one submission).

Conditions:
3-methylcrotonyl-CoA carboxylase 2 deficiency. Also called: METHYLCROTONYLGLYCINURIA, TYPE II; 3 alpha methylcrotonyl-CoA carboxylase 2 deficiency; 3 alpha methylcrotonylglycinuria 2; MCC 2 deficiency; Methylcrotonylglycinuria type 2. Identifiers: Orphanet 6, MedGen C1859499, MONDO:0008862, OMIM 210210.

Submission:

Labcorp Genetics (formerly Invitae), Labcorp
Classification: Uncertain significance for 3-methylcrotonyl-CoA carboxylase 2 deficiency. Last evaluated: 2024-03-04. Review status: criteria provided, single submitter. Criteria: Invitae Variant Classification Sherloc (09022015). Collection method: clinical testing. Allele origin: germline.
Comment: This sequence change replaces valine, which is neutral and non-polar, with leucine, which is neutral and non-polar, at codon 429 of the MCCC2 protein (p.Val429Leu). This variant is not present in population databases (gnomAD no frequency). This variant has not been reported in the literature in individuals affected with MCCC2-related conditions. ClinVar contains an entry for this variant (Variation ID: 1500968). Advanced modeling of protein sequence and biophysical properties (such as structural, functional, and spatial information, amino acid conservation, physicochemical variation, residue mobility, and thermodynamic stability) performed at Invitae indicates that this missense variant is expected to disrupt MCCC2 protein function with a positive predictive value of 80%. In summary, the available evidence is currently insufficient to determine the role of this variant in disease. Therefore, it has been classified as a Variant of Uncertain Significance.

NM_022132.5(MCCC2):c.1285G>C (p.Val429Leu)

Gene: MCCC2 (methylcrotonyl-CoA carboxylase subunit 2; plus strand). Cytogenetic location: 5q13.2.
Variant type: single nucleotide variant.
Coding change: c.1285G>C on transcript NM_022132.5 (MANE Select); coding-DNA position 1285, G replaced by C.
Protein change: p.Val429Leu; replaces valine 429 with leucine.
Molecular consequence: missense variant.
Genome position (GRCh38, 1-based): chr5:71,649,165, G>C. VCF-style: chr5-71649165-G-C. GRCh37 (hg19) VCF-style: chr5-70944992-G-C.
Other names: c.1171G>C, p.Val391Leu (NM_001363147.1); short protein forms V429L, V391L.
Identifiers: ClinVar variation 1500968 (VCV001500968.8), dbSNP rs2112467816, ClinGen allele CA359997324.
Genomic context (GRCh38, chr5:71,649,165, plus strand): 5'-GTTGGTAGAGAGTATGAAGCTGAAGGAATTGCCAAGGATGGTGCCAAGATGGTGGCCGCT[G>C]TGGCCTGTGCCCAAGTGCCTAAGATAACCCTCATCATTGGGGGCTCCTATGGAGCCGGAA-3'
Protein context (NP_071415.1, residues 419-439): AKDGAKMVAA[Val429Leu]ACAQVPKITL